The following is an entry in ClinVar:

ClinVar aggregate classification (germline): Uncertain significance (1 of 4 stars; one submission).

Conditions:
Hereditary nonpolyposis colorectal neoplasms. Identifiers: MedGen C0009405, MeSH D003123.

Submission:

Labcorp Genetics (formerly Invitae), Labcorp
Classification: Uncertain significance for Hereditary nonpolyposis colorectal neoplasms. Last evaluated: 2023-05-23. Review status: criteria provided, single submitter. Criteria: Invitae Variant Classification Sherloc (09022015). Collection method: clinical testing. Allele origin: germline.
Comment: In summary, the available evidence is currently insufficient to determine the role of this variant in disease. Therefore, it has been classified as a Variant of Uncertain Significance. Variants that disrupt the consensus splice site are a relatively common cause of aberrant splicing (PMID: 17576681, 9536098). Algorithms developed to predict the effect of sequence changes on RNA splicing suggest that this variant may disrupt the consensus splice site. ClinVar contains an entry for this variant (Variation ID: 2012079). This variant has not been reported in the literature in individuals affected with PMS2-related conditions. This variant is not present in population databases (gnomAD no frequency). This sequence change falls in intron 3 of the PMS2 gene. It does not directly change the encoded amino acid sequence of the PMS2 protein. It affects a nucleotide within the consensus splice site.

Literature cited by the submitters: PubMed 17576681; PubMed 9536098.

NM_000535.7(PMS2):c.250+3A>C

Gene: PMS2 (PMS1 homolog 2, mismatch repair system component; minus strand). Cytogenetic location: 7p22.1.
Variant type: single nucleotide variant.
Coding change: c.250+3A>C on transcript NM_000535.7 (MANE Select); 3 bases into the intron after coding-DNA position 250, A replaced by C.
Molecular consequence: intron variant.
Genome position (GRCh38, 1-based): chr7:6,003,969, T>G on the plus strand (A>C on the coding strand, the complement: PMS2 is on the minus strand). VCF-style: chr7-6003969-T-G. GRCh37 (hg19) VCF-style: chr7-6043600-T-G.
Other names: c.35+3A>C (NM_001322008.2, NM_001322007.2); c.-156+3A>C (NM_001322010.2, NM_001322004.2, NM_001322013.2 and 3 more transcripts); c.-635+3A>C (NM_001322012.2, NM_001322011.2); c.-235+3A>C (NM_001322015.2); c.250+3A>C (NM_001322006.2, NM_001322014.2).
Identifiers: ClinVar variation 2012079 (VCV002012079.4), dbSNP rs2128829214, ClinGen allele CA2580077028.